The following is an entry in ClinVar:

NM_001160148.2(DDHD1):c.2123A>T (p.Glu708Val)

Gene: DDHD1 (DDHD domain containing 1; minus strand). Cytogenetic location: 14q22.1.
Variant type: single nucleotide variant.
Coding change: c.2123A>T on transcript NM_001160148.2 (MANE Select); coding-DNA position 2123, A replaced by T.
Protein change: p.Glu708Val; replaces glutamic acid 708 with valine.
Molecular consequence: missense variant.
Genome position (GRCh38, 1-based): chr14:53,055,782, T>A on the plus strand (A>T on the coding strand, the complement: DDHD1 is on the minus strand). VCF-style: chr14-53055782-T-A. GRCh37 (hg19) VCF-style: chr14-53522500-T-A.
Other names: c.2144A>T, p.Glu715Val (NM_001160147.2); c.2123A>T, p.Glu708Val (NM_030637.3); short protein forms E708V, E715V.
Identifiers: ClinVar variation 1974506 (VCV001974506.5), dbSNP rs1339097140, ClinGen allele CA389771148.
Genomic context (GRCh38, chr14:53,055,782, plus strand): 5'-GGTGAGGTCACAGGGCTTGGTATGGTTGAAATGCCTTCATTCTCTGAAACTGAGGTAGGT[T>A]CTTTAGCTGGGTTGAGAAAGCTTGGCTTCATATGTTCATAAGGTAAAGGATTTGAAGTAT-3'
Protein context (NP_001153620.1, residues 698-718): MKPSFLNPAK[Glu708Val]PTSVSENEGI

ClinVar aggregate classification (germline): Uncertain significance (1 of 4 stars; one submission).

Conditions:
Hereditary spastic paraplegia 28. Also called: Spastic paraplegia 28, autosomal recessive. Identifiers: Orphanet 101008, MedGen C1836295, MONDO:0012256, OMIM 609340.

Allele frequency attached by ClinVar (database versions not stated): gnomAD exomes below 0.00001.
gnomAD v4.1: 1 of 1,614,138 alleles (0.000062%); highest among the groups gnomAD compares: Admixed American, 0.0017%; no homozygotes.

Submission:

Labcorp Genetics (formerly Invitae), Labcorp
Classification: Uncertain significance for Hereditary spastic paraplegia 28. Last evaluated: 2022-03-12. Review status: criteria provided, single submitter. Criteria: Invitae Variant Classification Sherloc (09022015). Collection method: clinical testing. Allele origin: germline.
Comment: In summary, the available evidence is currently insufficient to determine the role of this variant in disease. Therefore, it has been classified as a Variant of Uncertain Significance. Algorithms developed to predict the effect of missense changes on protein structure and function are either unavailable or do not agree on the potential impact of this missense change (SIFT: "Deleterious"; PolyPhen-2: "Possibly Damaging"; Align-GVGD: "Class C15"). This variant has not been reported in the literature in individuals affected with DDHD1-related conditions. This variant is present in population databases (no rsID available, gnomAD 0.003%). This sequence change replaces glutamic acid, which is acidic and polar, with valine, which is neutral and non-polar, at codon 715 of the DDHD1 protein (p.Glu715Val).